The following is an entry in ClinVar:

ClinVar aggregate classification (germline): Uncertain significance. Review status: criteria provided, multiple submitters, no conflicts (2 of 4 stars). 2 submissions from 2 submitters: Uncertain significance (2). Last evaluated 2025-07-06.

Conditions:
Inborn genetic diseases. Identifiers: MedGen C0950123, MeSH D030342.

Allele frequency attached by ClinVar (database versions not stated): ExAC 0.00015; 1000 Genomes Project 0.00020; 1000 Genomes Project 30x 0.00047.
gnomAD v4.1: 68 of 1,584,370 alleles (0.0043%); highest among the groups gnomAD compares: East Asian, 0.1%; no homozygotes.

Submissions (2):

Labcorp Genetics (formerly Invitae), Labcorp
Classification: Uncertain significance. Last evaluated: 2025-07-06. Review status: criteria provided, single submitter. Criteria: Invitae Variant Classification Sherloc (09022015). Collection method: clinical testing. Allele origin: germline.
Comment: This sequence change replaces threonine, which is neutral and polar, with serine, which is neutral and polar, at codon 410 of the FLAD1 protein (p.Thr410Ser). This variant is present in population databases (rs202098739, gnomAD 0.1%). This variant has not been reported in the literature in individuals affected with FLAD1-related conditions. ClinVar contains an entry for this variant (Variation ID: 2172729). An algorithm developed to predict the effect of missense changes on protein structure and function (PolyPhen-2) suggests that this variant is likely to be disruptive. In summary, the available evidence is currently insufficient to determine the role of this variant in disease. Therefore, it has been classified as a Variant of Uncertain Significance.

Ambry Genetics
Classification: Uncertain significance for Inborn genetic diseases. Last evaluated: 2025-06-29. Review status: criteria provided, single submitter. Criteria: Ambry Variant Classification Scheme 2023. Collection method: clinical testing. Allele origin: germline.

NM_025207.5(FLAD1):c.1229C>G (p.Thr410Ser)

Gene: FLAD1 (flavin adenine dinucleotide synthetase 1; plus strand). Cytogenetic location: 1q21.3.
Variant type: single nucleotide variant.
Coding change: c.1229C>G on transcript NM_025207.5 (MANE Select); coding-DNA position 1229, C replaced by G.
Protein change: p.Thr410Ser; replaces threonine 410 with serine.
Molecular consequence: missense variant.
Genome position (GRCh38, 1-based): chr1:154,989,671, C>G. VCF-style: chr1-154989671-C-G. GRCh37 (hg19) VCF-style: chr1-154962147-C-G.
Other names: c.938C>G, p.Thr313Ser (NM_001184891.2, NM_201398.3); c.1229C>G (NM_025207.4); short protein forms T313S, T410S.
Identifiers: ClinVar variation 2172729 (VCV002172729.4), dbSNP rs202098739, ClinGen allele CA1134507.